The following is an entry in ClinVar:

NC_000016.9:g.(?_68842317)_(68847408_?)del

Gene: CDH1 (cadherin 1; plus strand). Cytogenetic location: 16q22.1.
Variant type: Deletion.
Identifiers: ClinVar variation 1512530 (VCV001512530.7).

ClinVar aggregate classification (germline): Likely pathogenic (1 of 4 stars; one submission).

Conditions:
Hereditary diffuse gastric adenocarcinoma (HDGC). Also called: DIFFUSE GASTRIC AND LOBULAR BREAST CANCER SYNDROME. Identifiers: Orphanet 26106, MedGen C1708349, MONDO:0007648, OMIM 137215.

Submission:

Labcorp Genetics (formerly Invitae), Labcorp
Classification: Likely pathogenic for Hereditary diffuse gastric adenocarcinoma. Last evaluated: 2020-12-20. Review status: criteria provided, single submitter. Criteria: Invitae Variant Classification Sherloc (09022015). Collection method: clinical testing. Allele origin: germline.
Comment: In summary, the currently available evidence indicates that the variant is pathogenic, but additional data are needed to prove that conclusively. Therefore, this variant has been classified as Likely Pathogenic. This variant disrupts the extracellular domain of the CDH1 protein, which is important for cell-cell adhesion, correct folding, and dimerization (PMID: 8598933, 10439038, 10830618, 19268661, 22850631). While functional studies have not been performed to directly test the effect of this variant on CDH1 protein function, this suggests that disruption of this region of the protein is causative of disease. This variant has not been reported in the literature in individuals with CDH1-related conditions. This variant is a gross deletion of the genomic region encompassing exon(s) 4-9 of the CDH1 gene. This variant would be expected to be in-frame, preserving the integrity of the reading frame.

Literature cited by the submitters: PubMed 8598933; PubMed 10439038; PubMed 10830618; PubMed 19268661; PubMed 22850631.